The following is an entry in ClinVar:

NM_206933.4(USH2A):c.8923A>G (p.Ile2975Val)

Gene: USH2A (usherin; minus strand). Cytogenetic location: 1q41.
Variant type: single nucleotide variant.
Coding change: c.8923A>G on transcript NM_206933.4 (MANE Select); coding-DNA position 8923, A replaced by G.
Protein change: p.Ile2975Val; replaces isoleucine 2975 with valine.
Molecular consequence: missense variant.
Genome position (GRCh38, 1-based): chr1:215,845,956, T>C on the plus strand (A>G on the coding strand, the complement: USH2A is on the minus strand). VCF-style: chr1-215845956-T-C. GRCh37 (hg19) VCF-style: chr1-216019298-T-C.
Other names: short protein forms I2975V.
Identifiers: ClinVar variation 963351 (VCV000963351.7), dbSNP rs867946356, ClinGen allele CA37444475.

ClinVar aggregate classification (germline): Uncertain significance (1 of 4 stars; one submission).

Allele frequency attached by ClinVar (database versions not stated): gnomAD 0.00001.
gnomAD v4.1: 1 of 1,613,822 alleles (0.000062%); highest among the groups gnomAD compares: African/African-American, 0.0013%; no homozygotes.

Submission:

Labcorp Genetics (formerly Invitae), Labcorp
Classification: Uncertain significance. Last evaluated: 2021-08-31. Review status: criteria provided, single submitter. Criteria: Invitae Variant Classification Sherloc (09022015). Collection method: clinical testing. Allele origin: germline.
Comment: This sequence change replaces isoleucine with valine at codon 2975 of the USH2A protein (p.Ile2975Val). The isoleucine residue is highly conserved and there is a small physicochemical difference between isoleucine and valine. This variant is not present in population databases (ExAC no frequency). This variant has not been reported in the literature in individuals affected with USH2A-related conditions. Algorithms developed to predict the effect of missense changes on protein structure and function are either unavailable or do not agree on the potential impact of this missense change (SIFT: "Deleterious"; PolyPhen-2: "Benign"; Align-GVGD: "Class C25"). Algorithms developed to predict the effect of sequence changes on RNA splicing suggest that this variant may create or strengthen a splice site. In summary, the available evidence is currently insufficient to determine the role of this variant in disease. Therefore, it has been classified as a Variant of Uncertain Significance.